The following is an entry in ClinVar:

ClinVar aggregate classification (germline): Uncertain significance (1 of 4 stars; one submission).

Conditions:
Cerebral folate transport deficiency. Also called: FOLATE RECEPTOR DEFICIENCY; NEURODEGENERATION DUE TO CEREBRAL FOLATE TRANSPORT DEFICIENCY; Cerebral folate deficiency syndrome; Neurodegenerative syndrome due to cerebral folate transport deficiency; FOLR1-Related Cerebral Folate Transport Deficiency. Identifiers: Orphanet 217382, MedGen C2751584, MONDO:0013110, OMIM 613068. Disease mechanism: loss of function.

Submission:

Labcorp Genetics (formerly Invitae), Labcorp
Classification: Uncertain significance for Cerebral folate transport deficiency. Last evaluated: 2022-09-01. Review status: criteria provided, single submitter. Criteria: Invitae Variant Classification Sherloc (09022015). Collection method: clinical testing. Allele origin: germline.
Comment: This sequence change replaces tyrosine, which is neutral and polar, with cysteine, which is neutral and slightly polar, at codon 202 of the FOLR1 protein (p.Tyr202Cys). In summary, the available evidence is currently insufficient to determine the role of this variant in disease. Therefore, it has been classified as a Variant of Uncertain Significance. Algorithms developed to predict the effect of missense changes on protein structure and function are either unavailable or do not agree on the potential impact of this missense change (SIFT: "Deleterious"; PolyPhen-2: "Probably Damaging"; Align-GVGD: "Class C0"). ClinVar contains an entry for this variant (Variation ID: 1424778). This variant has not been reported in the literature in individuals affected with FOLR1-related conditions. This variant is not present in population databases (gnomAD no frequency).

NM_016729.3(FOLR1):c.605A>G (p.Tyr202Cys)

Genes: FOLR1 (folate receptor alpha; plus strand), FOLR1-AS1 (FOLR1 antisense RNA 1; minus strand). Cytogenetic location: 11q13.4.
Variant type: single nucleotide variant.
Coding change: c.605A>G on transcript NM_016729.3 (MANE Select); coding-DNA position 605, A replaced by G.
Protein change: p.Tyr202Cys; replaces tyrosine 202 with cysteine.
Molecular consequence: missense variant.
Genome position (GRCh38, 1-based): chr11:72,196,008, A>G. VCF-style: chr11-72196008-A-G. GRCh37 (hg19) VCF-style: chr11-71907052-A-G.
Other names: c.605A>G, p.Tyr202Cys (NM_000802.3, NM_016724.3, NM_016725.3); short protein forms Y202C.
Identifiers: ClinVar variation 1424778 (VCV001424778.8), dbSNP rs201099833, ClinGen allele CA381734572.
Genomic context (GRCh38, chr11:72,196,008, plus strand): 5'-TCCCCACACCCACTGTTCTGTGCAATGAAATCTGGACTCACTCCTACAAGGTCAGCAACT[A>G]CAGCCGAGGGAGTGGCCGCTGCATCCAGATGTGGTTCGACCCAGCCCAGGGCAACCCCAA-3'
Protein context (NP_057941.1, residues 192-212): IWTHSYKVSN[Tyr202Cys]SRGSGRCIQM